The following is an entry in ClinVar:

ClinVar aggregate classification (germline): Pathogenic/Likely pathogenic. Review status: criteria provided, multiple submitters, no conflicts (2 of 4 stars). 2 submissions from 2 submitters: Pathogenic (1); Likely pathogenic (1). Last evaluated 2025-07-30.

Conditions:
Mucopolysaccharidosis, MPS-III-D (MPS3D). Also called: N-ACETYLGLUCOSAMINE-6-SULFATASE DEFICIENCY; SANFILIPPO SYNDROME D; MPS III D; Mucopoly-saccharidosis type 3D; N-acetylglucosamine-6-sulfate sulfatase deficiency; MPS 3D. Identifiers: Orphanet 581, Orphanet 79272, MedGen C0086650, MONDO:0009658, OMIM 252940.

gnomAD v4.1: 1 of 1,576,340 alleles (0.000063%); highest among the groups gnomAD compares: Non-Finnish European, 0.000087%; no homozygotes.

Submissions (2):

Labcorp Genetics (formerly Invitae), Labcorp
Classification: Pathogenic for Mucopolysaccharidosis, MPS-III-D. Last evaluated: 2025-07-30. Review status: criteria provided, single submitter. Criteria: Invitae Variant Classification Sherloc (09022015). Collection method: clinical testing. Allele origin: germline.
Comment: This sequence change creates a premature translational stop signal (p.Gln465*) in the GNS gene. It is expected to result in an absent or disrupted protein product. Loss-of-function variants in GNS are known to be pathogenic (PMID: 20232353). This variant is not present in population databases (gnomAD no frequency). This variant has not been reported in the literature in individuals affected with GNS-related conditions. ClinVar contains an entry for this variant (Variation ID: 3575157). Algorithms developed to predict the effect of sequence changes on RNA splicing suggest that this variant may disrupt the consensus splice site. For these reasons, this variant has been classified as Pathogenic.

Fulgent Genetics
Classification: Likely pathogenic for Mucopolysaccharidosis, MPS-III-D. Last evaluated: 2024-01-03. Review status: criteria provided, single submitter. Criteria: ACMG Guidelines, 2015. Collection method: clinical testing. Allele origin: germline.

Literature cited by the submitters: PubMed 20232353 (cited by Labcorp Genetics (formerly Invitae), Labcorp).

NM_002076.4(GNS):c.1393C>T (p.Gln465Ter)

Gene: GNS (glucosamine (N-acetyl)-6-sulfatase; minus strand). Cytogenetic location: 12q14.3.
Variant type: single nucleotide variant.
Coding change: c.1393C>T on transcript NM_002076.4 (MANE Select); coding-DNA position 1393, C replaced by T.
Protein change: p.Gln465Ter; replaces glutamine 465 with a stop codon.
Molecular consequence: nonsense.
Genome position (GRCh38, 1-based): chr12:64,721,621, G>A on the plus strand (C>T on the coding strand, the complement: GNS is on the minus strand). VCF-style: chr12-64721621-G-A. GRCh37 (hg19) VCF-style: chr12-65115401-G-A.
Other names: short protein forms Q465*.
Identifiers: ClinVar variation 3575157 (VCV003575157.2).